The following is an entry in ClinVar:

NM_000095.3(COMP):c.1417G>C (p.Asp473His)

Gene: COMP (cartilage oligomeric matrix protein; minus strand). Cytogenetic location: 19p13.11.
Variant type: single nucleotide variant.
Coding change: c.1417G>C on transcript NM_000095.3 (MANE Select); coding-DNA position 1417, G replaced by C.
Protein change: p.Asp473His; replaces aspartic acid 473 with histidine.
Molecular consequence: missense variant.
Genome position (GRCh38, 1-based): chr19:18,786,037, C>G on the plus strand (G>C on the coding strand, the complement: COMP is on the minus strand). VCF-style: chr19-18786037-C-G. GRCh37 (hg19) VCF-style: chr19-18896847-C-G.
Other names: short protein forms D473H.
Identifiers: ClinVar variation 2505557 (VCV002505557.1), dbSNP rs2512847519, ClinGen allele CA404884543.
Genomic context (GRCh38, chr19:18,786,037, plus strand): 5'-CCTGGCCGGGGTTAGGCACCAGGCGGCAGTTGTCCCGACTGTCAGGGACTCCGTCATTGT[C>G]GTCGTCGTCGTCGCAGGCATCACCCTGGCCATCGTGGTCTGAGTCCTCCTGGGCACTGTT-3'
Protein context (NP_000086.2, residues 463-483): GQGDACDDDD[Asp473His]NDGVPDSRDN

ClinVar aggregate classification (germline): Likely pathogenic (1 of 4 stars; one submission).

Conditions:
Pseudoachondroplastic spondyloepiphyseal dysplasia syndrome (PSACH). Also called: COMP-Related Pseudoachondroplasia; PSEUDOACHONDROPLASTIC DYSPLASIA; Pseudoachondroplasia. Identifiers: Orphanet 750, MedGen C0410538, MONDO:0008322, OMIM 177170.

Submission:

Dr. med. U. Finckh, Human Genetics, Eurofins MVZ
Classification: Likely pathogenic for Pseudoachondroplastic spondyloepiphyseal dysplasia syndrome. Review status: criteria provided, single submitter. Criteria: ACMG Guidelines, 2015. Collection method: clinical testing. Allele origin: unknown. Affected: yes.
Comment: This rare variant has already been described in a patient with clinically diagnosed PSACH (PMID: 21922596). Another missene variant of the same codon has been classified as pathogenic in ClinVar (ID: 9191). Deletion of codon 473 ist a prevalent pathogenic PSACH variant.